The following is an entry in ClinVar:

NM_000202.8(IDS):c.159T>A (p.Cys53Ter)

Gene: IDS (iduronate 2-sulfatase; minus strand). Cytogenetic location: Xq28.
Variant type: single nucleotide variant.
Coding change: c.159T>A on transcript NM_000202.8 (MANE Select); coding-DNA position 159, T replaced by A.
Protein change: p.Cys53Ter; replaces cysteine 53 with a stop codon.
Molecular consequence: nonsense. On other transcripts: 5 prime UTR variant (1), non-coding transcript variant (1).
Genome position (GRCh38, 1-based): chrX:149,504,238, A>T on the plus strand (T>A on the coding strand, the complement: IDS is on the minus strand). VCF-style: chrX-149504238-A-T. GRCh37 (hg19) VCF-style: chrX-148585768-A-T.
Other names: c.-68T>A (NM_001166550.4); c.159T>A, p.Cys53Ter (NM_006123.5); short protein forms C53*.
Identifiers: ClinVar variation 3255943 (VCV003255943.2).

ClinVar aggregate classification (germline): Pathogenic (1 of 4 stars; one submission).

Conditions:
Mucopolysaccharidosis, MPS-II (MPS2). Also called: Hunter Syndrome; IDURONATE 2-SULFATASE DEFICIENCY; Mucopolysaccharidosis Type II; Mucopolysaccharidosis type 2; Attenuated MPS (subtype; formerly known as mild MPS II); Severe MPS II. Identifiers: Orphanet 580, Orphanet 79388, MedGen C0026705, MONDO:0010674, OMIM 309900.

Submission:

Laboratory of Diagnosis and Therapy of Lysosomal Disorders, University of Padova
Classification: Pathogenic for Mucopolysaccharidosis, MPS-II. Last evaluated: 2024-06-07. Review status: criteria provided, single submitter. Criteria: ACMG Guidelines, 2015. Collection method: literature only. Allele origin: germline. Affected: yes. Observed: 1 variant allele.
Comment: Null variant (PVS1_VeryStrong), Absent from controls (or at low frequency) in gnomAD database (PM2_Moderate), Patient’s phenotype or family history highly specific for the disease (PP4_Strong)

Classification method: ACMG Guidelines [PMID:25741868] with modifications

Literature cited by the submitters: PubMed 15500445.